The following is an entry in ClinVar:

ClinVar aggregate classification (germline): Uncertain significance (1 of 4 stars; one submission).

Conditions:
Arterial tortuosity syndrome (ATORS). Identifiers: Orphanet 3342, MedGen C1859726, MONDO:0008818, OMIM 208050.

gnomAD v4.1: 9 of 1,613,872 alleles (0.00056%); highest among the groups gnomAD compares: Non-Finnish European, 0.00076%; no homozygotes.

Submission:

Labcorp Genetics (formerly Invitae), Labcorp
Classification: Uncertain significance for Arterial tortuosity syndrome. Last evaluated: 2022-05-06. Review status: criteria provided, single submitter. Criteria: Invitae Variant Classification Sherloc (09022015). Collection method: clinical testing. Allele origin: germline.
Comment: This sequence change replaces proline, which is neutral and non-polar, with serine, which is neutral and polar, at codon 398 of the SLC2A10 protein (p.Pro398Ser). This variant is not present in population databases (gnomAD no frequency). This variant has not been reported in the literature in individuals affected with SLC2A10-related conditions. Advanced modeling of protein sequence and biophysical properties (such as structural, functional, and spatial information, amino acid conservation, physicochemical variation, residue mobility, and thermodynamic stability) performed at Invitae indicates that this missense variant is not expected to disrupt SLC2A10 protein function. In summary, the available evidence is currently insufficient to determine the role of this variant in disease. Therefore, it has been classified as a Variant of Uncertain Significance.

NM_030777.4(SLC2A10):c.1192C>T (p.Pro398Ser)

Gene: SLC2A10 (solute carrier family 2 member 10; plus strand). Cytogenetic location: 20q13.12.
Variant type: single nucleotide variant.
Coding change: c.1192C>T on transcript NM_030777.4 (MANE Select); coding-DNA position 1192, C replaced by T.
Protein change: p.Pro398Ser; replaces proline 398 with serine.
Molecular consequence: missense variant.
Genome position (GRCh38, 1-based): chr20:46,726,228, C>T. VCF-style: chr20-46726228-C-T. GRCh37 (hg19) VCF-style: chr20-45354867-C-T.
Other names: short protein forms P398S.
Identifiers: ClinVar variation 2172204 (VCV002172204.4), dbSNP rs1001679023, ClinGen allele CA315756574.